The following is an entry in ClinVar:

NM_000487.6(ARSA):c.38T>A (p.Leu13Gln)

Gene: ARSA (arylsulfatase A; minus strand). Cytogenetic location: 22q13.33.
Variant type: single nucleotide variant.
Coding change: c.38T>A on transcript NM_000487.6 (MANE Select); coding-DNA position 38, T replaced by A.
Protein change: p.Leu13Gln; replaces leucine 13 with glutamine.
Molecular consequence: missense variant. On other transcripts: intron variant (2).
Genome position (GRCh38, 1-based): chr22:50,627,742, A>T on the plus strand (T>A on the coding strand, the complement: ARSA is on the minus strand). VCF-style: chr22-50627742-A-T. GRCh37 (hg19) VCF-style: chr22-51066170-A-T.
Other names: c.38T>A, p.Leu13Gln (NM_001085425.3, NM_001085426.3, NM_001085427.3); c.-35+249T>A (NM_001362782.2); c.-35+204T>A (NM_001085428.3); short protein forms L13Q.
Identifiers: ClinVar variation 2138467 (VCV002138467.7), dbSNP rs2518337516, ClinGen allele CA412183693.

ClinVar aggregate classification (germline): Conflicting classifications of pathogenicity. Review status: criteria provided, conflicting classifications (1 of 4 stars). 2 submissions from 2 submitters: Likely pathogenic (1); Uncertain significance (1). Last evaluated 2026-05-20.

Conditions:
Metachromatic leukodystrophy (MLD). Also called: ARSA DEFICIENCY; CEREBROSIDE SULFATASE DEFICIENCY; METACHROMATIC LEUKOENCEPHALOPATHY; SULFATIDE LIPIDOSIS; Cerebral sclerosis diffuse metachromatic form; Arylsulfatase A Deficiency. Identifiers: Orphanet 512, MedGen C0023522, MONDO:0018868, OMIM 250100.

Submissions (2):

Women's Health and Genetics/Laboratory Corporation of America, LabCorp
Classification: Likely pathogenic for Metachromatic leukodystrophy. Last evaluated: 2026-05-20. Review status: criteria provided, single submitter. Criteria: LabCorp Variant Classification Summary - May 2015. Collection method: clinical testing. Allele origin: germline.
Comment: Variant summary: ARSA c.38T>A (p.Leu13Gln) results in a non-conservative amino acid change in the encoded protein sequence. Algorithms developed to predict the effect of missense changes on protein structure and function are either unavailable or do not agree on the potential impact of this missense change. The variant was absent in 155326 control chromosomes (gnomAD). These data indicate that the variant may be associated with disease. At least one publication reports experimental evidence evaluating an impact on protein function. The most pronounced variant effect results in <1% of normal activity (Trinidad_2023). The following publications have been ascertained in the context of this evaluation (PMID: 24001781, 37480112). ClinVar contains an entry for this variant (Variation ID: 2138467). Based on the evidence outlined above, the variant was classified as likely pathogenic.

Labcorp Genetics (formerly Invitae), Labcorp
Classification: Uncertain significance for Metachromatic leukodystrophy. Last evaluated: 2022-09-27. Review status: criteria provided, single submitter. Criteria: Invitae Variant Classification Sherloc (09022015). Collection method: clinical testing. Allele origin: germline.
Comment: This variant is also known as 32T>A; L11Q. In summary, the available evidence is currently insufficient to determine the role of this variant in disease. Therefore, it has been classified as a Variant of Uncertain Significance. Advanced modeling of protein sequence and biophysical properties (such as structural, functional, and spatial information, amino acid conservation, physicochemical variation, residue mobility, and thermodynamic stability) has been performed at Invitae for this missense variant, however the output from this modeling did not meet the statistical confidence thresholds required to predict the impact of this variant on ARSA protein function. This missense change has been observed in individual(s) with metachromatic leukodystrophy (PMID: 24001781). This variant is not present in population databases (gnomAD no frequency). This sequence change replaces leucine, which is neutral and non-polar, with glutamine, which is neutral and polar, at codon 13 of the ARSA protein (p.Leu13Gln).

Literature cited by the submitters: PubMed 24001781 (cited by Women's Health and Genetics/Laboratory Corporation of America, LabCorp and Labcorp Genetics (formerly Invitae), Labcorp); PubMed 37480112 (cited by Women's Health and Genetics/Laboratory Corporation of America, LabCorp).